The following is an entry in ClinVar:

NM_001042492.3(NF1):c.4111-13C>T

Gene: NF1 (neurofibromin 1; plus strand). Cytogenetic location: 17q11.2.
Variant type: single nucleotide variant.
Coding change: c.4111-13C>T on transcript NM_001042492.3 (MANE Select); 13 bases into the intron before coding-DNA position 4111, C replaced by T.
Molecular consequence: intron variant.
Genome position (GRCh38, 1-based): chr17:31,252,925, C>T. VCF-style: chr17-31252925-C-T. GRCh37 (hg19) VCF-style: chr17-29579943-C-T.
Other names: c.4110+3806C>T (NM_000267.4).
Identifiers: ClinVar variation 4875960 (VCV004875960.1).

ClinVar aggregate classification (germline): Likely benign (1 of 4 stars; one submission).

Conditions:
Neurofibromatosis, type 1 (NF1). Also called: VON RECKLINGHAUSEN DISEASE; NEUROFIBROMATOSIS, TYPE I, SOMATIC; Peripheral type neurofibromatosis; Neurofibromatosis, type I. Identifiers: Orphanet 636, MedGen C0027831, MONDO:0018975, OMIM 162200. Disease mechanism: loss of function.

Submission:

Myriad Genetics, Inc.
Classification: Likely benign for Neurofibromatosis, type 1. Last evaluated: 2026-05-13. Review status: criteria provided, single submitter. Criteria: Myriad Autosomal Dominant, Autosomal Recessive and X-Linked Classification Criteria (2023). Collection method: clinical testing. Allele origin: unknown.
Comment: This variant is considered likely benign. This variant is intronic and is not expected to impact mRNA splicing.